The following is an entry in ClinVar:

NM_000091.5(COL4A3):c.1688G>A (p.Gly563Glu)

Genes: COL4A3 (collagen type IV alpha 3 chain; plus strand), MFF-DT (MFF divergent transcript; minus strand). Cytogenetic location: 2q36.3.
Variant type: single nucleotide variant.
Coding change: c.1688G>A on transcript NM_000091.5 (MANE Select); coding-DNA position 1688, G replaced by A.
Protein change: p.Gly563Glu; replaces glycine 563 with glutamic acid.
Molecular consequence: missense variant.
Genome position (GRCh38, 1-based): chr2:227,270,882, G>A. VCF-style: chr2-227270882-G-A. GRCh37 (hg19) VCF-style: chr2-228135598-G-A.
Other names: short protein forms G563E.
Identifiers: ClinVar variation 2110052 (VCV002110052.5), dbSNP rs2469684664, ClinGen allele CA350871828.

ClinVar aggregate classification (germline): Likely pathogenic. Review status: criteria provided, multiple submitters, no conflicts (2 of 4 stars). 2 submissions from 2 submitters: Likely pathogenic (2). Last evaluated 2025-05-14.

Conditions:
Alport syndrome 3b, autosomal recessive. Identifiers: MedGen C5882699, MONDO:0957811, OMIM 620536.

Submissions (2):

Variantyx, Inc.
Classification: Likely pathogenic for Alport syndrome 3b, autosomal recessive. Last evaluated: 2025-05-14. Review status: criteria provided, single submitter. Criteria: Variantyx Assertion Criteria 2022. Collection method: clinical testing. Allele origin: germline. Inheritance: Autosomal recessive inheritance. Affected: yes.
Comment: This is a nonsynonymous variant in the COL4A3 gene (OMIM: 120070). Pathogenic variants in this gene have been associated with autosomal recessive COL4A3-related Alport spectrum. This variant replaces a glycine residue in the repetitive Gly-X-Y sequence of the triple helical domain (amino acids 43-1438), which disrupts the structure of fibrillar collagen and is a common disease mechanism in collagenopathies (PMID: 30311386, 28098982) (PM1_Strong), and multiple computational algorithms predict a deleterious effect for this variant (REVEL score: 0.983) (PP3). This variant is absent from control populations (PM2). Based on the current evidence, this variant is classified as uncertain for autosomal recessive COL4A3-related Alport spectrum.

Labcorp Genetics (formerly Invitae), Labcorp
Classification: Likely pathogenic. Last evaluated: 2025-04-17. Review status: criteria provided, single submitter. Criteria: Invitae Variant Classification Sherloc (09022015). Collection method: clinical testing. Allele origin: germline.
Comment: This sequence change replaces glycine, which is neutral and non-polar, with glutamic acid, which is acidic and polar, at codon 563 of the COL4A3 protein (p.Gly563Glu). This variant is not present in population databases (gnomAD no frequency). This variant has not been reported in the literature in individuals affected with COL4A3-related conditions. ClinVar contains an entry for this variant (Variation ID: 2110052). Invitae Evidence Modeling of protein sequence and biophysical properties (such as structural, functional, and spatial information, amino acid conservation, physicochemical variation, residue mobility, and thermodynamic stability) indicates that this missense variant is expected to disrupt COL4A3 protein function with a positive predictive value of 80%. This variant disrupts the p.Gly563 amino acid residue in COL4A3. Other variant(s) that disrupt this residue have been determined to be pathogenic (PMID: 26809805). This suggests that this residue is clinically significant, and that variants that disrupt this residue are likely to be disease-causing. In summary, the currently available evidence indicates that the variant is pathogenic, but additional data are needed to prove that conclusively. Therefore, this variant has been classified as Likely Pathogenic.

Literature cited by the submitters: PubMed 28098982 (cited by Variantyx, Inc.); PubMed 26809805 (cited by Labcorp Genetics (formerly Invitae), Labcorp).